The following is an entry in ClinVar:

ClinVar aggregate classification (germline): Likely benign. Review status: criteria provided, multiple submitters, no conflicts (2 of 4 stars). 3 submissions from 3 submitters: Likely benign (2). 1 of the submissions does not count toward it. Last evaluated 2024-05-17.

Conditions:
Cohen syndrome (COH1). Also called: PEPPER SYNDROME; Cutis verticis gyrata, retinitis pigmentosa, and sensorineural deafness. Identifiers: Orphanet 193, MedGen C0265223, MONDO:0008999, OMIM 216550.
VPS13B-related disorder. Also called: VPS13B-related condition.
Inborn genetic diseases. Identifiers: MedGen C0950123, MeSH D030342.

Allele frequency attached by ClinVar (database versions not stated): gnomAD exomes below 0.00001; TOPMed below 0.00001; gnomAD 0.00001.
gnomAD v4.1: 2 of 1,614,010 alleles (0.00012%); highest among the groups gnomAD compares: Admixed American, 0.0033%; no homozygotes.

Submissions (3):

Labcorp Genetics (formerly Invitae), Labcorp
Classification: Likely benign for Cohen syndrome. Last evaluated: 2024-05-17. Review status: criteria provided, single submitter. Criteria: Invitae Variant Classification Sherloc (09022015). Collection method: clinical testing. Allele origin: germline.

Ambry Genetics
Classification: Likely benign for Inborn genetic diseases. Last evaluated: 2018-03-22. Review status: criteria provided, single submitter. Criteria: Ambry Variant Classification Scheme 2023. Collection method: clinical testing. Allele origin: germline.

PreventionGenetics, part of Exact Sciences
Classification: Likely benign for VPS13B-related condition. Last evaluated: 2022-07-19. Review status: no assertion criteria provided. Collection method: clinical testing. Allele origin: germline. Not counted in ClinVar's aggregate classification.
Comment: This variant is classified as likely benign based on ACMG/AMP sequence variant interpretation guidelines (Richards et al. 2015 PMID: 25741868, with internal and published modifications).

NM_152564.5(VPS13B):c.11478C>T (p.Ser3826=)

Gene: VPS13B (vacuolar protein sorting 13 homolog B; plus strand). Cytogenetic location: 8q22.2.
Variant type: single nucleotide variant.
Coding change: c.11478C>T on transcript NM_152564.5 (MANE Select); coding-DNA position 11478, C replaced by T.
Protein change: p.Ser3826=; no amino-acid change (serine 3826 retained).
Molecular consequence: synonymous variant.
Genome position (GRCh38, 1-based): chr8:99,870,870, C>T. VCF-style: chr8-99870870-C-T. GRCh37 (hg19) VCF-style: chr8-100883098-C-T.
Other names: c.11553C>T, p.Ser3851= (NM_017890.5).
Identifiers: ClinVar variation 1735030 (VCV001735030.8), dbSNP rs1817369641, ClinGen allele CA462339735.